The following is an entry in ClinVar:

NM_002439.5(MSH3):c.3313A>C (p.Lys1105Gln)

Gene: MSH3 (mutS homolog 3; plus strand). Cytogenetic location: 5q14.1.
Variant type: single nucleotide variant.
Coding change: c.3313A>C on transcript NM_002439.5 (MANE Select); coding-DNA position 3313, A replaced by C.
Protein change: p.Lys1105Gln; replaces lysine 1105 with glutamine.
Molecular consequence: missense variant.
Genome position (GRCh38, 1-based): chr5:80,875,761, A>C. VCF-style: chr5-80875761-A-C. GRCh37 (hg19) VCF-style: chr5-80171580-A-C.
Other names: short protein forms K1105Q.
Identifiers: ClinVar variation 4824386 (VCV004824386.1).

ClinVar aggregate classification (germline): Uncertain significance (1 of 4 stars; one submission).

Conditions:
Hereditary cancer-predisposing syndrome. Also called: Neoplastic Syndromes, Hereditary; Hereditary neoplastic syndrome; Tumor predisposition; Hereditary Cancer Syndrome. Identifiers: Orphanet 140162, MedGen C0027672, MeSH D009386, MONDO:0015356.

Submission:

Ambry Genetics
Classification: Uncertain significance for Hereditary cancer-predisposing syndrome. Last evaluated: 2026-02-14. Review status: criteria provided, single submitter. Criteria: Ambry Variant Classification Scheme 2023. Collection method: clinical testing. Allele origin: germline.
Comment: The p.K1105Q variant (also known as c.3313A>C), located in coding exon 24 of the MSH3 gene, results from an A to C substitution at nucleotide position 3313. The lysine at codon 1105 is replaced by glutamine, an amino acid with similar properties. This amino acid position is conserved. In addition, this alteration is predicted to be tolerated by in silico analysis. Based on the available evidence, the clinical significance of this variant remains unclear.